The following is an entry in ClinVar:

ClinVar aggregate classification (germline): Pathogenic/Likely pathogenic. Review status: criteria provided, multiple submitters, no conflicts (2 of 4 stars). 3 submissions from 3 submitters: Pathogenic (2); Likely pathogenic (1). Last evaluated 2026-04-01.

Conditions:
Hereditary spastic paraplegia 39 (SPG39). Also called: SPASTIC PARAPLEGIA 39, AUTOSOMAL RECESSIVE; Spastic Paraplegia Type 39 (SPG39). Identifiers: Orphanet 139480, MedGen C2677586, MONDO:0012787, OMIM 612020.
PNPLA6-related disorder. Also called: PNPLA6-related condition; PNPLA6-related disorders.

Submissions (3):

CeGaT Center for Human Genetics Tuebingen
Classification: Pathogenic. Last evaluated: 2026-04-01. Review status: criteria provided, single submitter. Criteria: CeGaT Center For Human Genetics Tuebingen Variant Classification Criteria Version 2. Collection method: clinical testing. Allele origin: germline. Affected: yes. Observed: 1 variant allele.
Comment: PNPLA6: PVS1, PM2

3billion
Classification: Likely pathogenic for PNPLA6-related disorder. Last evaluated: 2025-12-10. Review status: criteria provided, single submitter. Criteria: ACMG Guidelines, 2015. Collection method: clinical testing. Allele origin: germline. Affected: yes.
Comment: The variant is observed at an extremely low frequency in the gnomAD v4.1.0 dataset (total allele frequency: <0.001%). Predicted Consequence/Location: Frameshift: predicted to result in a loss or disruption of normal protein function through nonsense-mediated decay (NMD) or protein truncation. Multiple pathogenic variants are reported downstream of the variant. Therefore, this variant is classified as Likely pathogenic according to the recommendation of ACMG/AMP guideline.

Labcorp Genetics (formerly Invitae), Labcorp
Classification: Pathogenic for Hereditary spastic paraplegia 39. Last evaluated: 2025-06-06. Review status: criteria provided, single submitter. Criteria: Invitae Variant Classification Sherloc (09022015). Collection method: clinical testing. Allele origin: germline.
Comment: This sequence change creates a premature translational stop signal (p.Ser894Alafs*9) in the PNPLA6 gene. It is expected to result in an absent or disrupted protein product. Loss-of-function variants in PNPLA6 are known to be pathogenic (PMID: 24355708). This variant is not present in population databases (gnomAD no frequency). This variant has not been reported in the literature in individuals affected with PNPLA6-related conditions. For these reasons, this variant has been classified as Pathogenic.

Literature cited by the submitters: PubMed 24355708 (cited by Labcorp Genetics (formerly Invitae), Labcorp).

NM_001166114.2(PNPLA6):c.2793_2794del (p.Ser932fs)

Gene: PNPLA6 (patatin like domain 6, lysophospholipase; plus strand). Cytogenetic location: 19p13.2.
Variant type: Deletion.
Coding change: c.2793_2794del on transcript NM_001166114.2 (MANE Select); coding-DNA positions 2793 to 2794, 2 bases deleted (TT; older notation c.2793_2794delTT).
Protein change: p.Ser932fs; shifts the reading frame from serine 932.
Molecular consequence: frameshift variant.
Genome position (GRCh38, 1-based): chr19:7,555,051-7,555,052, TT deleted; deleting any 2 consecutive bases within chr19:7,555,049-7,555,052 gives the same sequence; the c. name uses the placement nearest the transcript's 3' end. VCF-style (leftmost placement, unchanged base first): chr19-7555048-CTT-C. GRCh37 (hg19) VCF-style: chr19-7619934-CTT-C.
Other names: c.2823_2824del, p.Ser942fs (NM_001166111.2); c.2598_2599del, p.Ser867fs (NM_001166112.2); c.2679_2680del, p.Ser894fs (NM_001166113.1, NM_006702.5); short protein forms S942fs, S867fs, S894fs, S932fs.
Identifiers: ClinVar variation 4719077 (VCV004719077.4).